The following is an entry in ClinVar:

ClinVar aggregate classification (germline): Uncertain significance (1 of 4 stars; one submission).

Conditions:
Accelerated tumor formation, susceptibility to (ACTFS). Identifiers: MedGen C3280690, OMIM 614401, MONDO:0013733.

Allele frequency attached by ClinVar (database versions not stated): gnomAD exomes below 0.00001.
gnomAD v4.1: 1 of 1,614,114 alleles (0.000062%); highest among the groups gnomAD compares: Non-Finnish European, 0.000085%; no homozygotes.

Submission:

Labcorp Genetics (formerly Invitae), Labcorp
Classification: Uncertain significance for Accelerated tumor formation, susceptibility to. Last evaluated: 2024-05-29. Review status: criteria provided, single submitter. Criteria: Invitae Variant Classification Sherloc (09022015). Collection method: clinical testing. Allele origin: germline.
Comment: This sequence change replaces serine, which is neutral and polar, with arginine, which is basic and polar, at codon 194 of the MDM2 protein (p.Ser194Arg). This variant is not present in population databases (gnomAD no frequency). This variant has not been reported in the literature in individuals affected with MDM2-related conditions. An algorithm developed to predict the effect of missense changes on protein structure and function (PolyPhen-2) suggests that this variant is likely to be tolerated. In summary, the available evidence is currently insufficient to determine the role of this variant in disease. Therefore, it has been classified as a Variant of Uncertain Significance.

NM_002392.6(MDM2):c.582T>A (p.Ser194Arg)

Gene: MDM2 (MDM2 proto-oncogene; plus strand). Cytogenetic location: 12q15.
Variant type: single nucleotide variant.
Coding change: c.582T>A on transcript NM_002392.6 (MANE Select); coding-DNA position 582, T replaced by A.
Protein change: p.Ser194Arg; replaces serine 194 with arginine.
Molecular consequence: missense variant. On other transcripts: intron variant (2).
Genome position (GRCh38, 1-based): chr12:68,828,829, T>A. VCF-style: chr12-68828829-T-A. GRCh37 (hg19) VCF-style: chr12-69222609-T-A.
Other names: c.564T>A, p.Ser188Arg (NM_001145337.3, NM_001367990.1); c.417T>A, p.Ser139Arg (NM_001145339.2); c.157-7000T>A (NM_001278462.2, NM_001145340.3); short protein forms S188R, S139R, S194R.
Identifiers: ClinVar variation 2847356 (VCV002847356.3), dbSNP rs2499194285, ClinGen allele CA385706500.